The following is an entry in ClinVar:

ClinVar aggregate classification (germline): Benign/Likely benign. Review status: criteria provided, multiple submitters, no conflicts (2 of 4 stars). 3 submissions from 3 submitters: Benign (1); Likely benign (2). Last evaluated 2025-03-13.

Conditions:
Hereditary cancer-predisposing syndrome. Also called: Tumor predisposition; Neoplastic Syndromes, Hereditary; Hereditary Cancer Syndrome; Hereditary neoplastic syndrome. Identifiers: Orphanet 140162, MedGen C0027672, MeSH D009386, MONDO:0015356.
Ataxia-telangiectasia syndrome (AT). Also called: ATAXIA-TELANGIECTASIA, COMPLEMENTATION GROUP A; ATAXIA-TELANGIECTASIA, FRESNO VARIANT; Ataxia-telangiectasia; Ataxia-telangiectasia, complementation group D; AT, COMPLEMENTATION GROUP C; Ataxia-telangiectasia, complementation group E. Identifiers: Orphanet 100, MedGen C0004135, MONDO:0008840, OMIM 208900.
Familial cancer of breast. Also called: Hereditary breast cancer; BREAST CANCER, FAMILIAL; hereditary breast carcinoma. Identifiers: Orphanet 227535, MedGen C0346153, MONDO:0016419, OMIM 114480. Disease mechanism: loss of function.

Allele frequency attached by ClinVar (database versions not stated): gnomAD exomes below 0.00001.
gnomAD v4.1: 3 of 1,613,508 alleles (0.00019%); highest among the groups gnomAD compares: South Asian, 0.0033%; no homozygotes.

Submissions (3):

Labcorp Genetics (formerly Invitae), Labcorp
Classification: Likely benign for Ataxia-telangiectasia syndrome. Last evaluated: 2025-03-13. Review status: criteria provided, single submitter. Criteria: Invitae Variant Classification Sherloc (09022015). Collection method: clinical testing. Allele origin: germline.

Myriad Genetics, Inc.
Classification: Benign for Familial cancer of breast. Last evaluated: 2024-05-24. Review status: criteria provided, single submitter. Criteria: Myriad Autosomal Dominant, Autosomal Recessive and X-Linked Classification Criteria (2023). Collection method: clinical testing. Allele origin: unknown.
Comment: This variant is considered benign. This variant is a silent/synonymous amino acid change and it is not expected to impact splicing.

Ambry Genetics
Classification: Likely benign for Hereditary cancer-predisposing syndrome. Last evaluated: 2023-05-19. Review status: criteria provided, single submitter. Criteria: Ambry Variant Classification Scheme 2023. Collection method: clinical testing. Allele origin: germline.

NM_000051.4(ATM):c.5895A>G (p.Lys1965=)

Genes: ATM (ATM serine/threonine kinase; plus strand), C11orf65 (chromosome 11 open reading frame 65; minus strand). Cytogenetic location: 11q22.3.
Variant type: single nucleotide variant.
Coding change: c.5895A>G on transcript NM_000051.4 (MANE Select); coding-DNA position 5895, A replaced by G.
Protein change: p.Lys1965=; no amino-acid change (lysine 1965 retained).
Molecular consequence: synonymous variant. On other transcripts: intron variant (2).
Genome position (GRCh38, 1-based): chr11:108,310,292, A>G. VCF-style: chr11-108310292-A-G. GRCh37 (hg19) VCF-style: chr11-108181019-A-G.
Other names: c.5895A>G, p.Lys1965= (NM_001351834.2); c.641-1221T>C (NM_001330368.2); c.*39-1221T>C (NM_001351110.2).
Identifiers: ClinVar variation 794039 (VCV000794039.12), dbSNP rs1565490147, ClinGen allele CA476675512.
Genomic context (GRCh38, chr11:108,310,292, plus strand): 5'-TCAGTCTTGTGCTGCTCACTTTACAGCTTTACTCTATGCAGAAATCTATGCAGATAAGAA[A>G]AGTATGGATGATCAAGAGAAAAGGTAATGGAATTTAGAATTTTTGGTTTTTAAAATTAAT-3'
Protein context (NP_000042.3, residues 1955-1975): LLYAEIYADK[Lys1965=]SMDDQEKRSL